The following is an entry in ClinVar:

ClinVar aggregate classification (germline): Uncertain significance. Review status: criteria provided, single submitter (1 of 4 stars). 2 submissions from 2 submitters: Uncertain significance (1). 1 of the submissions does not count toward it. Last evaluated 2023-10-03.

Conditions:
Peroxisome biogenesis disorder, complementation group 7 (CG7). Also called: Peroxisome biogenesis disorder, complementation group B. Identifiers: MedGen C1864399.
Zellweger spectrum disorders (ZS). Also called: Zellweger Spectrum Disorder; Zellweger Spectrum; Zellweger syndrome; Zellweger Spectrum Disorder (ZSD). Identifiers: Orphanet 912, MedGen C0043459, MONDO:0019609.

Allele frequency attached by ClinVar (database versions not stated): gnomAD exomes 0.00001; gnomAD 0.00002.

Submissions (2):

Labcorp Genetics (formerly Invitae), Labcorp
Classification: Uncertain significance for Peroxisome biogenesis disorder, complementation group 7. Last evaluated: 2023-10-03. Review status: criteria provided, single submitter. Criteria: Invitae Variant Classification Sherloc (09022015). Collection method: clinical testing. Allele origin: germline.
Comment: This sequence change replaces serine, which is neutral and polar, with cysteine, which is neutral and slightly polar, at codon 281 of the PEX10 protein (p.Ser281Cys). This variant is present in population databases (no rsID available, gnomAD 0.01%). This variant has not been reported in the literature in individuals affected with PEX10-related conditions. ClinVar contains an entry for this variant (Variation ID: 839621). An algorithm developed to predict the effect of missense changes on protein structure and function (PolyPhen-2) suggests that this variant is likely to be disruptive. In summary, the available evidence is currently insufficient to determine the role of this variant in disease. Therefore, it has been classified as a Variant of Uncertain Significance.

Natera, Inc.
Classification: Uncertain significance for Zellweger syndrome. Last evaluated: 2020-09-16. Review status: no assertion criteria provided. Collection method: clinical testing. Allele origin: germline. Not counted in ClinVar's aggregate classification.

NM_002617.4(PEX10):c.782C>G (p.Ser261Cys)

Gene: PEX10 (peroxisomal biogenesis factor 10; minus strand). Cytogenetic location: 1p36.32.
Variant type: single nucleotide variant.
Coding change: c.782C>G on transcript NM_002617.4 (MANE Select); coding-DNA position 782, C replaced by G.
Protein change: p.Ser261Cys; replaces serine 261 with cysteine.
Molecular consequence: missense variant. On other transcripts: non-coding transcript variant (1).
Genome position (GRCh38, 1-based): chr1:2,406,614, G>C on the plus strand (C>G on the coding strand, the complement: PEX10 is on the minus strand). VCF-style: chr1-2406614-G-C. GRCh37 (hg19) VCF-style: chr1-2338053-G-C.
Other names: c.839C>G, p.Ser280Cys (NM_001374425.1); c.407C>G, p.Ser136Cys (NM_001374426.1); c.350C>G, p.Ser117Cys (NM_001374427.1); c.842C>G, p.Ser281Cys (NM_153818.2); short protein forms S136C, S281C, S280C, S117C, S261C.
Identifiers: ClinVar variation 839621 (VCV000839621.5), dbSNP rs1208669638, ClinGen allele CA337984818.